The following is an entry in ClinVar:

ClinVar aggregate classification (germline): Uncertain significance (1 of 4 stars; one submission).

gnomAD v4.1: 1 of 1,608,260 alleles (0.000062%); highest among the groups gnomAD compares: East Asian, 0.0022%; no homozygotes.

Submission:

Ambry Genetics
Classification: Uncertain significance. Last evaluated: 2024-08-07. Review status: criteria provided, single submitter. Criteria: Ambry Variant Classification Scheme 2023. Collection method: clinical testing. Allele origin: germline.
Comment: The p.G1494R variant (also known as c.4480G>A), located in coding exon 35 of the PRKDC gene, results from a G to A substitution at nucleotide position 4480. The glycine at codon 1494 is replaced by arginine, an amino acid with dissimilar properties. This amino acid position is conserved. In addition, the in silico prediction for this alteration is inconclusive. Based on the available evidence, the clinical significance of this variant remains unclear.

NM_006904.7(PRKDC):c.4480G>A (p.Gly1494Arg)

Gene: PRKDC (protein kinase, DNA-activated, catalytic subunit; minus strand). Cytogenetic location: 8q11.21.
Variant type: single nucleotide variant.
Coding change: c.4480G>A on transcript NM_006904.7 (MANE Select); coding-DNA position 4480, G replaced by A.
Protein change: p.Gly1494Arg; replaces glycine 1494 with arginine.
Molecular consequence: missense variant.
Genome position (GRCh38, 1-based): chr8:47,887,639, C>T on the plus strand (G>A on the coding strand, the complement: PRKDC is on the minus strand). VCF-style: chr8-47887639-C-T. GRCh37 (hg19) VCF-style: chr8-48800200-C-T.
Other names: c.4480G>A, p.Gly1494Arg (NM_001081640.2); short protein forms G1494R.
Identifiers: ClinVar variation 3425286 (VCV003425286.1).